The following is an entry in ClinVar:

ClinVar aggregate classification (germline): Likely benign (1 of 4 stars; one submission).

Allele frequency attached by ClinVar (database versions not stated): ExAC below 0.00001; gnomAD exomes below 0.00001; gnomAD 0.00002; TOPMed 0.00003.
gnomAD v4.1: 5 of 1,580,926 alleles (0.00032%); highest among the groups gnomAD compares: African/African-American, 0.004%; no homozygotes.

Submission:

GeneDx
Classification: Likely benign. Last evaluated: 2017-06-12. Review status: criteria provided, single submitter. Criteria: GeneDx Variant Classification (06012015). Collection method: clinical testing. Allele origin: germline. Affected: yes.
Comment: This variant is considered likely benign or benign based on one or more of the following criteria: it is a conservative change, it occurs at a poorly conserved position in the protein, it is predicted to be benign by multiple in silico algorithms, and/or has population frequency not consistent with disease.

NM_000431.4(MVK):c.-14-8C>T

Gene: MVK (mevalonate kinase; plus strand). Cytogenetic location: 12q24.11.
Variant type: single nucleotide variant.
Coding change: c.-14-8C>T on transcript NM_000431.4 (MANE Select); 8 bases into the intron before 14 bases upstream of the start codon, C replaced by T.
Molecular consequence: intron variant.
Genome position (GRCh38, 1-based): chr12:109,574,801, C>T. VCF-style: chr12-109574801-C-T. GRCh37 (hg19) VCF-style: chr12-110012606-C-T.
Other names: c.-14-8C>T (LRG_156t1, NM_001301182.2); c.-5-17C>T (NM_001114185.3).
Identifiers: ClinVar variation 510281 (VCV000510281.1), dbSNP rs756448647, ClinGen allele CA6779126.